The following is an entry in ClinVar:

ClinVar aggregate classification (germline): Likely pathogenic (1 of 4 stars; one submission).

Conditions:
Hypercholesterolemia, autosomal dominant, 3 (FHCL3). Also called: Familial hypercholesterolemia 3; Familial Hypercholesterolemia, Autosomal Dominant, 3; PCSK9-Related Familial Hypercholesterolemia, Autosomal Dominant. Identifiers: MedGen C1863551, MONDO:0011369, OMIM 603776.

Submission:

Labcorp Genetics (formerly Invitae), Labcorp
Classification: Likely pathogenic for Hypercholesterolemia, autosomal dominant, 3. Last evaluated: 2022-11-29. Review status: criteria provided, single submitter. Criteria: Invitae Variant Classification Sherloc (09022015). Collection method: clinical testing. Allele origin: germline.
Comment: ClinVar contains an entry for this variant (Variation ID: 1015123). This variant has not been reported in the literature in individuals affected with PCSK9-related conditions. This variant is not present in population databases (gnomAD no frequency). This sequence change replaces arginine, which is basic and polar, with threonine, which is neutral and polar, at codon 218 of the PCSK9 protein (p.Arg218Thr). Advanced modeling of protein sequence and biophysical properties (such as structural, functional, and spatial information, amino acid conservation, physicochemical variation, residue mobility, and thermodynamic stability) performed at Invitae indicates that this missense variant is expected to disrupt PCSK9 protein function. In summary, the currently available evidence indicates that the variant is pathogenic, but additional data are needed to prove that conclusively. Therefore, this variant has been classified as Likely Pathogenic. This variant disrupts the p.Arg218 amino acid residue in PCSK9. Other variant(s) that disrupt this residue have been determined to be pathogenic (PMID: 16211558, 16912035, 18039650, 21147780). This suggests that this residue is clinically significant, and that variants that disrupt this residue are likely to be disease-causing.

Literature cited by the submitters: PubMed 16211558; PubMed 16912035; PubMed 18039650; PubMed 21147780.

NM_174936.4(PCSK9):c.653G>C (p.Arg218Thr)

Gene: PCSK9 (proprotein convertase subtilisin/kexin type 9; plus strand). Cytogenetic location: 1p32.3.
Variant type: single nucleotide variant.
Coding change: c.653G>C on transcript NM_174936.4 (MANE Select); coding-DNA position 653, G replaced by C.
Protein change: p.Arg218Thr; replaces arginine 218 with threonine.
Molecular consequence: missense variant.
Genome position (GRCh38, 1-based): chr1:55,052,407, G>C. VCF-style: chr1-55052407-G-C. GRCh37 (hg19) VCF-style: chr1-55518080-G-C.
Other names: c.776G>C, p.Arg259Thr (NM_001407240.1); c.653G>C, p.Arg218Thr (NM_001407241.1, NM_001407242.1, NM_001407244.1 and 1 more transcripts); c.596G>C, p.Arg199Thr (NM_001407243.1); c.461G>C, p.Arg154Thr (NM_001407245.1); c.278G>C, p.Arg93Thr (NM_001407246.1); short protein forms R218T, R154T, R93T, R199T, R259T.
Identifiers: ClinVar variation 1015123 (VCV001015123.13), dbSNP rs1644681544, ClinGen allele CA340473646.